The following is an entry in ClinVar:

NM_016188.5(ACTL6B):c.1004T>C (p.Ile335Thr)

Gene: ACTL6B (actin like 6B; minus strand). Cytogenetic location: 7q22.1.
Variant type: single nucleotide variant.
Coding change: c.1004T>C on transcript NM_016188.5 (MANE Select); coding-DNA position 1004, T replaced by C.
Protein change: p.Ile335Thr; replaces isoleucine 335 with threonine.
Molecular consequence: missense variant. On other transcripts: non-coding transcript variant (1).
Genome position (GRCh38, 1-based): chr7:100,646,764, A>G on the plus strand (T>C on the coding strand, the complement: ACTL6B is on the minus strand). VCF-style: chr7-100646764-A-G. GRCh37 (hg19) VCF-style: chr7-100244387-A-G.
Other names: short protein forms I335T.
Identifiers: ClinVar variation 5041348 (VCV005041348.1).
Genomic context (GRCh38, chr7:100,646,764, plus strand): 5'-CTTCCCCTGGGCCCCTTTGCCGAGCCTCAGCTCCGGCCTGGCCTCACCGGGCGAATATCA[A>G]TGTCACACATGCCGATGCTGGTGGTCACCACGTGGCCCACACCCAACATGGTGTTCCCCG-3'
Protein context (NP_057272.1, residues 325-345): VVTTSIGMCD[Ile335Thr]DIRPGLYGSV

ClinVar aggregate classification (germline): Uncertain significance (1 of 4 stars; one submission).

gnomAD v4.1: 43 of 1,613,558 alleles (0.0027%); highest among the groups gnomAD compares: Non-Finnish European, 0.0033%; no homozygotes.

Submission:

CeGaT Center for Human Genetics Tuebingen
Classification: Uncertain significance. Last evaluated: 2026-09-01. Review status: criteria provided, single submitter. Criteria: CeGaT Center For Human Genetics Tuebingen Variant Classification Criteria Version 2. Collection method: clinical testing. Allele origin: germline. Affected: yes. Observed: 1 variant allele.
Comment: ACTL6B: PM2, PP3